The following is an entry in ClinVar:

NM_007294.4(BRCA1):c.885C>G (p.Asp295Glu)

Gene: BRCA1 (BRCA1 DNA repair associated; minus strand). Cytogenetic location: 17q21.31.
Variant type: single nucleotide variant.
Coding change: c.885C>G on transcript NM_007294.4 (MANE Select); coding-DNA position 885, C replaced by G.
Protein change: p.Asp295Glu; replaces aspartic acid 295 with glutamic acid.
Molecular consequence: missense variant. On other transcripts: 5 prime UTR variant (2), intron variant (137).
Genome position (GRCh38, 1-based): chr17:43,094,646, G>C on the plus strand (C>G on the coding strand, the complement: BRCA1 is on the minus strand). VCF-style: chr17-43094646-G-C. GRCh37 (hg19) VCF-style: chr17-41246663-G-C.
Other names: c.885C>G, p.Asp295Glu (NM_001407642.1, NM_001407652.1, NM_001407684.1 and 30 more transcripts); c.882C>G, p.Asp294Glu (NM_001407644.1, NM_001407645.1, NM_001407860.1 and 22 more transcripts); c.876C>G, p.Asp292Glu (NM_001407646.1, NM_001407647.1); c.762C>G, p.Asp254Glu (NM_001407648.1, NM_001407664.1, NM_001407665.1 and 19 more transcripts); c.759C>G, p.Asp253Glu (NM_001407649.1, NM_001407670.1, NM_001407671.1 and 11 more transcripts); c.807C>G, p.Asp269Glu (NM_001407653.1, NM_001407654.1, NM_001407655.1 and 4 more transcripts); c.804C>G, p.Asp268Glu (NM_001407659.1, NM_001407660.1, NM_001407661.1 and 1 more transcripts); c.744C>G, p.Asp248Glu (NM_001407692.1, NM_001407694.1, NM_001407695.1 and 29 more transcripts); and 40 more; short protein forms D248E, D295E, D167E, D184E, D227E, D269E, D247E, D254E.
Identifiers: ClinVar variation 845638 (VCV000845638.13), dbSNP rs1060504557, ClinGen allele CA10600304.

ClinVar aggregate classification (germline): Conflicting classifications of pathogenicity. Review status: criteria provided, conflicting classifications (1 of 4 stars). 2 submissions from 2 submitters: Uncertain significance (1); Likely benign (1). Last evaluated 2023-03-23.

Conditions:
Hereditary breast ovarian cancer syndrome. Also called: Breast and ovarian cancer; Hereditary breast and ovarian cancer; Hereditary breast and/or ovarian cancer syndrome; BRCA1- and BRCA2-Associated Hereditary Breast and Ovarian Cancer; Hereditary breast and ovarian cancer syndrome; Hereditary breast and ovarian cancer syndrome (HBOC). Identifiers: Orphanet 145, MedGen C0677776, MeSH D061325, MONDO:0003582. Disease mechanism: loss of function.
Hereditary cancer-predisposing syndrome. Also called: Tumor predisposition; Hereditary neoplastic syndrome; Neoplastic Syndromes, Hereditary; Hereditary Cancer Syndrome. Identifiers: Orphanet 140162, MedGen C0027672, MeSH D009386, MONDO:0015356.

Submissions (2):

University of Washington Department of Laboratory Medicine, University of Washington
Classification: Likely benign for Hereditary cancer-predisposing syndrome. Last evaluated: 2023-03-23. Review status: criteria provided, single submitter. Criteria: Dines et al. (Genet Med. 2020). Collection method: curation. Allele origin: germline.
Comment: Missense variant in a coldspot region where missense variants are very unlikely to be pathogenic (PMID:31911673).

BRCA1 coldspot (exon 11 using historical exon numbering). Reclassification based on statistical prior probability

Labcorp Genetics (formerly Invitae), Labcorp
Classification: Uncertain significance for Hereditary breast ovarian cancer syndrome. Last evaluated: 2019-01-14. Review status: criteria provided, single submitter. Criteria: Invitae Variant Classification Sherloc (09022015). Collection method: clinical testing. Allele origin: germline.
Comment: This variant has not been reported in the literature in individuals with BRCA1-related conditions. Algorithms developed to predict the effect of missense changes on protein structure and function are either unavailable or do not agree on the potential impact of this missense change (SIFT: "Tolerated"; PolyPhen-2: "Possibly Damaging"; Align-GVGD: "Class C0"). This variant is not present in population databases (ExAC no frequency). This sequence change replaces aspartic acid with glutamic acid at codon 295 of the BRCA1 protein (p.Asp295Glu). The aspartic acid residue is weakly conserved and there is a small physicochemical difference between aspartic acid and glutamic acid. In summary, the available evidence is currently insufficient to determine the role of this variant in disease. Therefore, it has been classified as a Variant of Uncertain Significance.